The following is an entry in ClinVar:

ClinVar aggregate classification (germline): Likely pathogenic (1 of 4 stars; one submission).

Conditions:
Thrombophilia due to protein C deficiency, autosomal dominant. Also called: PROTEIN C DEFICIENCY, AUTOSOMAL DOMINANT; PROC DEFICIENCY, AUTOSOMAL DOMINANT. Identifiers: Orphanet 745, MedGen C2674321, MONDO:0008316, OMIM 176860. Disease mechanism: loss of function.

Submission:

Labcorp Genetics (formerly Invitae), Labcorp
Classification: Likely pathogenic for Thrombophilia due to protein C deficiency, autosomal dominant. Last evaluated: 2021-03-16. Review status: criteria provided, single submitter. Criteria: Invitae Variant Classification Sherloc (09022015). Collection method: clinical testing. Allele origin: germline.
Comment: In summary, the currently available evidence indicates that the variant is pathogenic, but additional data are needed to prove that conclusively. Therefore, this variant has been classified as Likely Pathogenic. This variant disrupts the p.Arg57 amino acid residue in PROC. Other variant(s) that disrupt this residue have been determined to be pathogenic (PMID: 7482420, 7792728, 8446940, 8499568, 14642106, 8477066, 1771629, 8505327, 1498334, 1464619). This suggests that this residue is clinically significant, and that variants that disrupt this residue are likely to be disease-causing. This variant has not been reported in the literature in individuals with PROC-related conditions. This sequence change affects the initiator methionine of the PROC mRNA. The next in-frame methionine is located at codon 190.

Literature cited by the submitters: PubMed 7482420; PubMed 7792728; PubMed 8446940; PubMed 8499568; PubMed 14642106; PubMed 8477066; PubMed 1771629; PubMed 8505327; PubMed 1498334; PubMed 1464619.

NC_000002.11:g.(?_128176278)_(128177573_?)del

Gene: PROC (protein C, inactivator of coagulation factors Va and VIIIa; plus strand). Cytogenetic location: 2q14.3.
Variant type: Deletion.
Identifiers: ClinVar variation 2422857 (VCV002422857.4).